The following is an entry in ClinVar:

NM_152594.3(SPRED1):c.688C>T (p.Pro230Ser)

Gene: SPRED1 (sprouty related EVH1 domain containing 1; plus strand). Cytogenetic location: 15q14.
Variant type: single nucleotide variant.
Coding change: c.688C>T on transcript NM_152594.3 (MANE Select); coding-DNA position 688, C replaced by T.
Protein change: p.Pro230Ser; replaces proline 230 with serine.
Molecular consequence: missense variant.
Genome position (GRCh38, 1-based): chr15:38,351,017, C>T. VCF-style: chr15-38351017-C-T. GRCh37 (hg19) VCF-style: chr15-38643218-C-T.
Other names: short protein forms P230S.
Identifiers: ClinVar variation 4865024 (VCV004865024.1).

ClinVar aggregate classification (germline): Uncertain significance (1 of 4 stars; one submission).

Conditions:
Cardiovascular phenotype. Identifiers: MedGen CN230736.

Submission:

Ambry Genetics
Classification: Uncertain significance for Cardiovascular phenotype. Last evaluated: 2026-04-16. Review status: criteria provided, single submitter. Criteria: Ambry Variant Classification Scheme 2023. Collection method: clinical testing. Allele origin: germline.
Comment: The p.P230S variant (also known as c.688C>T), located in coding exon 7 of the SPRED1 gene, results from a C to T substitution at nucleotide position 688. The proline at codon 230 is replaced by serine, an amino acid with similar properties. This amino acid position is conserved. In addition, this alteration is predicted to be tolerated by in silico analysis. Based on the available evidence, the clinical significance of this variant remains unclear.